The following is an entry in ClinVar:

NM_000494.4(COL17A1):c.2993C>A (p.Pro998His)

Gene: COL17A1 (collagen type XVII alpha 1 chain; minus strand). Cytogenetic location: 10q25.1.
Variant type: single nucleotide variant.
Coding change: c.2993C>A on transcript NM_000494.4 (MANE Select); coding-DNA position 2993, C replaced by A.
Protein change: p.Pro998His; replaces proline 998 with histidine.
Molecular consequence: missense variant.
Genome position (GRCh38, 1-based): chr10:104,038,483, G>T on the plus strand (C>A on the coding strand, the complement: COL17A1 is on the minus strand). VCF-style: chr10-104038483-G-T. GRCh37 (hg19) VCF-style: chr10-105798241-G-T.
Other names: short protein forms P998H.
Identifiers: ClinVar variation 1517154 (VCV001517154.5), dbSNP rs771191466, ClinGen allele CA5678139.

ClinVar aggregate classification (germline): Uncertain significance (1 of 4 stars; one submission).

Allele frequency attached by ClinVar (database versions not stated): ExAC 0.00001.
gnomAD v4.1: 3 of 1,613,494 alleles (0.00019%); highest among the groups gnomAD compares: Non-Finnish European, 0.00025%; no homozygotes.

Submission:

Labcorp Genetics (formerly Invitae), Labcorp
Classification: Uncertain significance. Last evaluated: 2025-12-01. Review status: criteria provided, single submitter. Criteria: Invitae Variant Classification Sherloc (09022015). Collection method: clinical testing. Allele origin: germline.
Comment: This sequence change replaces proline, which is neutral and non-polar, with histidine, which is basic and polar, at codon 998 of the COL17A1 protein (p.Pro998His). This variant is present in population databases (rs771191466, gnomAD 0.002%). This variant has not been reported in the literature in individuals affected with COL17A1-related conditions. ClinVar contains an entry for this variant (Variation ID: 1517154). Invitae Evidence Modeling of protein sequence and biophysical properties (such as structural, functional, and spatial information, amino acid conservation, physicochemical variation, residue mobility, and thermodynamic stability) has been performed for this missense variant. However, the output from this modeling did not meet the statistical confidence thresholds required to predict the impact of this variant on COL17A1 protein function. In summary, the available evidence is currently insufficient to determine the role of this variant in disease. Therefore, it has been classified as a Variant of Uncertain Significance.